The following is an entry in ClinVar:

NM_133459.4(CCBE1):c.1157G>C (p.Gly386Ala)

Gene: CCBE1 (collagen and calcium binding EGF domains 1; minus strand). Cytogenetic location: 18q21.32.
Variant type: single nucleotide variant.
Coding change: c.1157G>C on transcript NM_133459.4 (MANE Select); coding-DNA position 1157, G replaced by C.
Protein change: p.Gly386Ala; replaces glycine 386 with alanine.
Molecular consequence: missense variant.
Genome position (GRCh38, 1-based): chr18:59,435,972, C>G on the plus strand (G>C on the coding strand, the complement: CCBE1 is on the minus strand). VCF-style: chr18-59435972-C-G. GRCh37 (hg19) VCF-style: chr18-57103204-C-G.
Other names: c.1157G>C, p.Gly386Ala (LRG_1209t1); short protein forms G386A.
Identifiers: ClinVar variation 327702 (VCV000327702.8), dbSNP rs766519876, ClinGen allele CA8980162.

ClinVar aggregate classification (germline): Uncertain significance. Review status: criteria provided, multiple submitters, no conflicts (2 of 4 stars). 2 submissions from 2 submitters: Uncertain significance (2). Last evaluated 2024-08-13.

Conditions:
Hennekam lymphangiectasia-lymphedema syndrome 1 (HKLLS1). Also called: LYMPHATIC DYSPLASIA, GENERALIZED. Identifiers: Orphanet 2136, MedGen C4012050, MONDO:0009337, OMIM 235510.

Allele frequency attached by ClinVar (database versions not stated): gnomAD 0.00001; gnomAD exomes 0.00002 and 0.00004; TOPMed 0.00002; ExAC 0.00003.
gnomAD v4.1: 12 of 1,613,978 alleles (0.00074%); highest among the groups gnomAD compares: Non-Finnish European, 0.00093%; no homozygotes.

Submissions (2):

Labcorp Genetics (formerly Invitae), Labcorp
Classification: Uncertain significance. Last evaluated: 2024-08-13. Review status: criteria provided, single submitter. Criteria: Invitae Variant Classification Sherloc (09022015). Collection method: clinical testing. Allele origin: germline.
Comment: This sequence change replaces glycine, which is neutral and non-polar, with alanine, which is neutral and non-polar, at codon 386 of the CCBE1 protein (p.Gly386Ala). This variant is present in population databases (rs766519876, gnomAD 0.008%). This variant has not been reported in the literature in individuals affected with CCBE1-related conditions. ClinVar contains an entry for this variant (Variation ID: 327702). Advanced modeling of protein sequence and biophysical properties (such as structural, functional, and spatial information, amino acid conservation, physicochemical variation, residue mobility, and thermodynamic stability) has been performed at Invitae for this missense variant, however the output from this modeling did not meet the statistical confidence thresholds required to predict the impact of this variant on CCBE1 protein function. In summary, the available evidence is currently insufficient to determine the role of this variant in disease. Therefore, it has been classified as a Variant of Uncertain Significance.

Illumina Laboratory Services, Illumina
Classification: Uncertain significance for Hennekam lymphangiectasia-lymphedema syndrome 1. Last evaluated: 2018-01-12. Review status: criteria provided, single submitter. Criteria: ICSL Variant Classification Criteria 13 December 2019. Collection method: clinical testing. Allele origin: germline.